The following is an entry in ClinVar:

ClinVar aggregate classification (germline): Uncertain significance. Review status: criteria provided, single submitter (1 of 4 stars). 2 submissions from 2 submitters: Uncertain significance (1). 1 of the submissions does not count toward it. Last evaluated 2020-09-01.

Conditions:
FGF12-related disorder. Also called: FGF12-related condition.

Allele frequency attached by ClinVar (database versions not stated): gnomAD exomes below 0.00001.
gnomAD v4.1: 1 of 1,612,196 alleles (0.000062%); highest among the groups gnomAD compares: African/African-American, 0.0013%; no homozygotes.

Submissions (2):

CeGaT Center for Human Genetics Tuebingen
Classification: Uncertain significance. Last evaluated: 2020-09-01. Review status: criteria provided, single submitter. Criteria: CeGaT Center For Human Genetics Tuebingen Variant Classification Criteria Version 2. Collection method: clinical testing. Allele origin: germline. Affected: yes. Observed: 1 variant allele.

PreventionGenetics, part of Exact Sciences
Classification: Uncertain significance for FGF12-related condition. Last evaluated: 2024-08-06. Review status: no assertion criteria provided. Collection method: clinical testing. Allele origin: germline. Not counted in ClinVar's aggregate classification.
Comment: The FGF12 c.172C>T variant is predicted to result in the amino acid substitution p.Arg58Cys. To our knowledge, this variant has not been reported in the literature or in a large population database, indicating this variant is rare. At this time, the clinical significance of this variant is uncertain due to the absence of conclusive functional and genetic evidence.

NM_004113.6(FGF12):c.14-47514C>T

Gene: FGF12 (fibroblast growth factor 12; minus strand). Cytogenetic location: 3q28.
Variant type: single nucleotide variant.
Coding change: c.14-47514C>T on transcript NM_004113.6 (MANE Select); 47514 bases into the intron before coding-DNA position 14, C replaced by T.
Molecular consequence: intron variant. On other transcripts: missense variant (1).
Genome position (GRCh38, 1-based): chr3:192,408,052, G>A on the plus strand (C>T on the coding strand, the complement: FGF12 is on the minus strand). VCF-style: chr3-192408052-G-A. GRCh37 (hg19) VCF-style: chr3-192125841-G-A.
Other names: c.172C>T (NM_021032.4); c.172C>T, p.Arg58Cys (NM_021032.5); c.-59-47514C>T (NM_001377293.1); c.14-72588C>T (NM_001377292.1); c.-60+1460C>T (NM_001377294.1); short protein forms R58C.
Identifiers: ClinVar variation 1012712 (VCV001012712.38), dbSNP rs1721036725, ClinGen allele CA355866585.